The following is an entry in ClinVar:

NM_000440.3(PDE6A):c.1942C>G (p.Gln648Glu)

Gene: PDE6A (phosphodiesterase 6A; minus strand). Cytogenetic location: 5q32.
Variant type: single nucleotide variant.
Coding change: c.1942C>G on transcript NM_000440.3 (MANE Select); coding-DNA position 1942, C replaced by G.
Protein change: p.Gln648Glu; replaces glutamine 648 with glutamic acid.
Molecular consequence: missense variant.
Genome position (GRCh38, 1-based): chr5:149,884,564, G>C on the plus strand (C>G on the coding strand, the complement: PDE6A is on the minus strand). VCF-style: chr5-149884564-G-C. GRCh37 (hg19) VCF-style: chr5-149264127-G-C.
Other names: short protein forms Q648E.
Identifiers: ClinVar variation 845625 (VCV000845625.10), dbSNP rs1761073879, ClinGen allele CA361693384.

ClinVar aggregate classification (germline): Uncertain significance (1 of 4 stars; one submission).

Allele frequency attached by ClinVar (database versions not stated): gnomAD exomes below 0.00001.
gnomAD v4.1: 3 of 1,613,476 alleles (0.00019%); highest among the groups gnomAD compares: Non-Finnish European, 0.00025%; no homozygotes.

Submission:

Labcorp Genetics (formerly Invitae), Labcorp
Classification: Uncertain significance. Last evaluated: 2021-02-23. Review status: criteria provided, single submitter. Criteria: Invitae Variant Classification Sherloc (09022015). Collection method: clinical testing. Allele origin: germline.
Comment: This sequence change replaces glutamine with glutamic acid at codon 648 of the PDE6A protein (p.Gln648Glu). The glutamine residue is highly conserved and there is a small physicochemical difference between glutamine and glutamic acid. This variant is not present in population databases (ExAC no frequency). This variant has not been reported in the literature in individuals with PDE6A-related conditions. Algorithms developed to predict the effect of missense changes on protein structure and function are either unavailable or do not agree on the potential impact of this missense change (SIFT: "Deleterious"; PolyPhen-2: "Benign"; Align-GVGD: "Class C0"). In summary, the available evidence is currently insufficient to determine the role of this variant in disease. Therefore, it has been classified as a Variant of Uncertain Significance.